The following is an entry in ClinVar:

NM_001079.4(ZAP70):c.1290-16T>C

Gene: ZAP70 (zeta chain of T cell receptor associated protein kinase 70; plus strand). Cytogenetic location: 2q11.2.
Variant type: single nucleotide variant.
Coding change: c.1290-16T>C on transcript NM_001079.4 (MANE Select); 16 bases into the intron before coding-DNA position 1290, T replaced by C.
Molecular consequence: intron variant.
Genome position (GRCh38, 1-based): chr2:97,737,457, T>C. VCF-style: chr2-97737457-T-C. GRCh37 (hg19) VCF-style: chr2-98353920-T-C.
Other names: c.1290-16T>C (NM_001378594.1); c.369-16T>C (NM_207519.2).
Identifiers: ClinVar variation 385950 (VCV000385950.6), dbSNP rs779549199, ClinGen allele CA1790435.

ClinVar aggregate classification (germline): Likely benign. Review status: criteria provided, multiple submitters, no conflicts (2 of 4 stars). 2 submissions from 2 submitters: Likely benign (2). Last evaluated 2025-12-03.

Conditions:
Combined immunodeficiency due to ZAP70 deficiency (IMD48). Also called: ZAP70 Deficiency; Immunodeficiency 48. Identifiers: Orphanet 911, MedGen C2931299, MONDO:0010023, OMIM 269840.

Allele frequency attached by ClinVar (database versions not stated): ExAC 0.00002; TOPMed 0.00004; gnomAD 0.00006; gnomAD exomes 0.00001.
gnomAD v4.1: 16 of 1,613,774 alleles (0.00099%); highest among the groups gnomAD compares: African/African-American, 0.021%; no homozygotes.

Submissions (2):

Labcorp Genetics (formerly Invitae), Labcorp
Classification: Likely benign for Combined immunodeficiency due to ZAP70 deficiency. Last evaluated: 2025-12-03. Review status: criteria provided, single submitter. Criteria: Invitae Variant Classification Sherloc (09022015). Collection method: clinical testing. Allele origin: germline.

GeneDx
Classification: Likely benign. Last evaluated: 2016-05-11. Review status: criteria provided, single submitter. Criteria: GeneDx Variant Classification (06012015). Collection method: clinical testing. Allele origin: germline. Affected: yes.
Comment: This variant is considered likely benign or benign based on one or more of the following criteria: it is a conservative change, it occurs at a poorly conserved position in the protein, it is predicted to be benign by multiple in silico algorithms, and/or has population frequency not consistent with disease.